The following is an entry in ClinVar:

ClinVar aggregate classification (germline): Likely benign (1 of 4 stars; one submission).

Conditions:
PURA-related disorder. Also called: PURA-related condition.

Submission:

PreventionGenetics, part of Exact Sciences
Classification: Likely benign for PURA-related condition. Last evaluated: 2025-06-16. Review status: criteria provided, single submitter. Criteria: ACMG Guidelines, 2015. Collection method: clinical testing. Allele origin: germline.
Comment: This variant is classified as likely benign based on ACMG/AMP sequence variant interpretation guidelines (Richards et al. 2015 PMID: 25741868, with internal and published modifications).

NM_005859.5(PURA):c.153A>C (p.Pro51=)

Gene: PURA (purine rich element binding protein A; plus strand). Cytogenetic location: 5q31.3.
Variant type: single nucleotide variant.
Coding change: c.153A>C on transcript NM_005859.5 (MANE Select); coding-DNA position 153, A replaced by C.
Protein change: p.Pro51=; no amino-acid change (proline 51 retained).
Molecular consequence: synonymous variant.
Genome position (GRCh38, 1-based): chr5:140,114,334, A>C. VCF-style: chr5-140114334-A-C. GRCh37 (hg19) VCF-style: chr5-139493919-A-C.
Identifiers: ClinVar variation 4979157 (VCV004979157.1).